The following is an entry in ClinVar:

NM_001375524.1(TRRAP):c.1315G>A (p.Gly439Ser)

Gene: TRRAP (transformation/transcription domain associated protein; plus strand). Cytogenetic location: 7q22.1.
Variant type: single nucleotide variant.
Coding change: c.1315G>A on transcript NM_001375524.1 (MANE Select); coding-DNA position 1315, G replaced by A.
Protein change: p.Gly439Ser; replaces glycine 439 with serine.
Molecular consequence: missense variant.
Genome position (GRCh38, 1-based): chr7:98,908,927, G>A. VCF-style: chr7-98908927-G-A. GRCh37 (hg19) VCF-style: chr7-98506550-G-A.
Other names: c.1315G>A, p.Gly439Ser (NM_001244580.2, NM_003496.4); short protein forms G439S.
Identifiers: ClinVar variation 2707142 (VCV002707142.3), dbSNP rs2484707975, ClinGen allele CA368285625.

ClinVar aggregate classification (germline): Uncertain significance (1 of 4 stars; one submission).

Submission:

Labcorp Genetics (formerly Invitae), Labcorp
Classification: Uncertain significance. Last evaluated: 2024-01-03. Review status: criteria provided, single submitter. Criteria: Invitae Variant Classification Sherloc (09022015). Collection method: clinical testing. Allele origin: germline.
Comment: This sequence change replaces glycine, which is neutral and non-polar, with serine, which is neutral and polar, at codon 439 of the TRRAP protein (p.Gly439Ser). This variant is not present in population databases (gnomAD no frequency). This variant has not been reported in the literature in individuals affected with TRRAP-related conditions. Advanced modeling of protein sequence and biophysical properties (such as structural, functional, and spatial information, amino acid conservation, physicochemical variation, residue mobility, and thermodynamic stability) performed at Invitae indicates that this missense variant is not expected to disrupt TRRAP protein function with a negative predictive value of 80%. In summary, the available evidence is currently insufficient to determine the role of this variant in disease. Therefore, it has been classified as a Variant of Uncertain Significance.